The following is an entry in ClinVar:

NM_006231.4(POLE):c.579-16T>C

Gene: POLE (DNA polymerase epsilon, catalytic subunit; minus strand). Cytogenetic location: 12q24.33.
Variant type: single nucleotide variant.
Coding change: c.579-16T>C on transcript NM_006231.4 (MANE Select); 16 bases into the intron before coding-DNA position 579, T replaced by C.
Molecular consequence: intron variant.
Genome position (GRCh38, 1-based): chr12:132,677,735, A>G on the plus strand (T>C on the coding strand, the complement: POLE is on the minus strand). VCF-style: chr12-132677735-A-G. GRCh37 (hg19) VCF-style: chr12-133254321-A-G.
Identifiers: ClinVar variation 223921 (VCV000223921.10), dbSNP rs869312621, ClinGen allele CA353076.

ClinVar aggregate classification (germline): Likely benign. Review status: criteria provided, multiple submitters, no conflicts (2 of 4 stars). 3 submissions from 3 submitters: Likely benign (2). 1 of the submissions does not count toward it. Last evaluated 2025-12-21.

Conditions:
Hereditary cancer-predisposing syndrome. Also called: Tumor predisposition; Hereditary neoplastic syndrome; Neoplastic Syndromes, Hereditary; Hereditary Cancer Syndrome. Identifiers: Orphanet 140162, MedGen C0027672, MeSH D009386, MONDO:0015356.

Allele frequency attached by ClinVar (database versions not stated): gnomAD exomes below 0.00001 and 0.00003; TOPMed below 0.00001; gnomAD 0.00001.
gnomAD v4.1: 41 of 1,612,384 alleles (0.0025%); highest among the groups gnomAD compares: Non-Finnish European, 0.0031%; 1 homozygote.

Submissions (3):

Labcorp Genetics (formerly Invitae), Labcorp
Classification: Likely benign. Last evaluated: 2025-12-21. Review status: criteria provided, single submitter. Criteria: Invitae Variant Classification Sherloc (09022015). Collection method: clinical testing. Allele origin: germline.

GeneDx
Classification: Likely benign. Last evaluated: 2017-01-05. Review status: criteria provided, single submitter. Criteria: GeneDx Variant Classification (06012015). Collection method: clinical testing. Allele origin: germline. Affected: yes.
Comment: This variant is considered likely benign or benign based on one or more of the following criteria: it is a conservative change, it occurs at a poorly conserved position in the protein, it is predicted to be benign by multiple in silico algorithms, and/or has population frequency not consistent with disease.

University of Washington Department of Laboratory Medicine, University of Washington
Classification: Likely benign for Hereditary cancer-predisposing syndrome. Last evaluated: 2015-12-01. Review status: no assertion criteria provided. Collection method: clinical testing. Allele origin: germline. Affected: yes. Not counted in ClinVar's aggregate classification.